The following is an entry in ClinVar:

ClinVar aggregate classification (germline): Uncertain significance (1 of 4 stars; one submission).

Conditions:
MELAS syndrome (MELAS). Also called: Juvenile myopathy, encephalopathy, lactic acidosis, stroke. Identifiers: Orphanet 550, MedGen C0162671, MONDO:0010789, OMIM 540000.

Submission:

Wong Mito Lab, Molecular and Human Genetics, Baylor College of Medicine
Classification: Uncertain significance for MELAS syndrome. Last evaluated: 2019-07-12. Review status: criteria provided, single submitter. Criteria: Modified ACMG Guidelines (Unpublished). Collection method: clinical testing. Allele origin: germline.
Comment: The NC_012920.1:m.10405T>C variant in MT-TR gene is interpreted to be a Unknown Significance variant based on the modified ACMG guidelines (unpublished). This variant meets the following evidence codes reported in the guidelines: PM8, PP3

Literature cited by the submitters: PubMed 31965079.

NC_012920.1(MT-TR):m.10405T>C

Gene: MT-TR (mitochondrially encoded tRNA arginine; plus strand).
Variant type: single nucleotide variant.
Genome position: chrM-10405-T-C.
Identifiers: ClinVar variation 690111 (VCV000690111.1), dbSNP rs1603222825, ClinGen allele CA913163099.